The following is an entry in ClinVar:

NM_002972.4(SBF1):c.4517C>T (p.Thr1506Ile)

Gene: SBF1 (SET binding factor 1; minus strand). Cytogenetic location: 22q13.33.
Variant type: single nucleotide variant.
Coding change: c.4517C>T on transcript NM_002972.4 (MANE Select); coding-DNA position 4517, C replaced by T.
Protein change: p.Thr1506Ile; replaces threonine 1506 with isoleucine.
Molecular consequence: missense variant.
Genome position (GRCh38, 1-based): chr22:50,455,261, G>A on the plus strand (C>T on the coding strand, the complement: SBF1 is on the minus strand). VCF-style: chr22-50455261-G-A. GRCh37 (hg19) VCF-style: chr22-50893690-G-A.
Other names: c.4442C>T, p.Thr1481Ile (NM_001365819.1); short protein forms T1481I, T1506I.
Identifiers: ClinVar variation 994190 (VCV000994190.13), dbSNP rs374199797, ClinGen allele CA10316238.

ClinVar aggregate classification (germline): Uncertain significance. Review status: criteria provided, multiple submitters, no conflicts (2 of 4 stars). 2 submissions from 2 submitters: Uncertain significance (2). Last evaluated 2024-01-13.

Conditions:
Charcot-Marie-Tooth disease type 4B3. Also called: CHARCOT-MARIE-TOOTH DISEASE, DEMYELINATING, TYPE 4B3; Charcot-Marie-Tooth Neuropathy Type 4B3. Identifiers: Orphanet 363981, MedGen C3695063, MONDO:0014117, OMIM 615284.

Allele frequency attached by ClinVar (database versions not stated): gnomAD exomes 0.00002 and 0.00004; ExAC 0.00007; ESP Exome Variant Server 0.00008; TOPMed 0.00027; gnomAD 0.00030 and 0.00031; 1000 Genomes Project 30x 0.00031; 1000 Genomes Project 0.00040.
gnomAD v4.1: 78 of 1,613,258 alleles (0.0048%); highest among the groups gnomAD compares: African/African-American, 0.095%; no homozygotes.

Submissions (2):

Labcorp Genetics (formerly Invitae), Labcorp
Classification: Uncertain significance. Last evaluated: 2024-01-13. Review status: criteria provided, single submitter. Criteria: Invitae Variant Classification Sherloc (09022015). Collection method: clinical testing. Allele origin: germline.
Comment: This sequence change replaces threonine, which is neutral and polar, with isoleucine, which is neutral and non-polar, at codon 1506 of the SBF1 protein (p.Thr1506Ile). This variant is present in population databases (rs374199797, gnomAD 0.07%). This variant has not been reported in the literature in individuals affected with SBF1-related conditions. ClinVar contains an entry for this variant (Variation ID: 994190). Advanced modeling of protein sequence and biophysical properties (such as structural, functional, and spatial information, amino acid conservation, physicochemical variation, residue mobility, and thermodynamic stability) performed at Invitae indicates that this missense variant is not expected to disrupt SBF1 protein function with a negative predictive value of 80%. In summary, the available evidence is currently insufficient to determine the role of this variant in disease. Therefore, it has been classified as a Variant of Uncertain Significance.

ARUP Laboratories, Molecular Genetics and Genomics, ARUP Laboratories
Classification: Uncertain significance for Charcot-Marie-Tooth disease type 4B3. Last evaluated: 2019-11-23. Review status: criteria provided, single submitter. Criteria: ARUP Molecular Germline Variant Investigation Process. Collection method: clinical testing. Allele origin: germline.
Comment: The SBF1 c.4517C>T; p.Thr1506Ile variant (rs374199797), to our knowledge, is not reported in the medical literature or gene specific databases. This variant is found in the African population with an allele frequency of 0.062% (15/24024 alleles) in the Genome Aggregation Database. The threonine at codon 1506 is moderately conserved, and computational analyses (SIFT: damaging, PolyPhen-2: benign) predict conflicting effects of this variant on protein structure/function. Due to limited information, the clinical significance of the p.Thr1506Ile variant is uncertain at this time.